The following is an entry in ClinVar:

NM_013339.4(ALG6):c.680+4A>G

Gene: ALG6 (ALG6 alpha-1,3-glucosyltransferase; plus strand). Cytogenetic location: 1p31.3.
Variant type: single nucleotide variant.
Coding change: c.680+4A>G on transcript NM_013339.4 (MANE Select); 4 bases into the intron after coding-DNA position 680, A replaced by G.
Molecular consequence: intron variant.
Genome position (GRCh38, 1-based): chr1:63,411,335, A>G. VCF-style: chr1-63411335-A-G. GRCh37 (hg19) VCF-style: chr1-63877006-A-G.
Identifiers: ClinVar variation 2118899 (VCV002118899.3), dbSNP rs1397452203, ClinGen allele CA737739115.
Genomic context (GRCh38, chr1:63,411,335, plus strand): 5'-GCCATTTTTTTGCTTTTTACTTGGCAAGTGTTTTAAAAAAGGCCTCAAAGGAAAGGGGTG[A>G]GTGACTTTTAAACACTAGAATCCAAAAATTTACTTCAGATAATTTTTTTGGCATACTTAC-3'

ClinVar aggregate classification (germline): Uncertain significance (1 of 4 stars; one submission).

Conditions:
ALG6-congenital disorder of glycosylation 1C (CDG1C). Also called: CDG Ic; Congenital disorder of glycosylation type 1C; Congenital disorder of glycosylation, type Ic; CARBOHYDRATE-DEFICIENT GLYCOPROTEIN SYNDROME, TYPE I, WITH DEFICIENT GLYCOSYLATION OF DOLICHOL-LINKED OLIGOSACCHARIDE; CARBOHYDRATE-DEFICIENT GLYCOPROTEIN SYNDROME, TYPE V. Identifiers: Orphanet 79320, MedGen C2930997, MONDO:0011291, OMIM 603147.

Allele frequency attached by ClinVar (database versions not stated): TOPMed below 0.00001; gnomAD 0.00001.
gnomAD v4.1: 1 of 1,612,966 alleles (0.000062%); highest among the groups gnomAD compares: Non-Finnish European, 0.000085%; no homozygotes.

Submission:

Labcorp Genetics (formerly Invitae), Labcorp
Classification: Uncertain significance for ALG6-congenital disorder of glycosylation 1C. Last evaluated: 2022-03-28. Review status: criteria provided, single submitter. Criteria: Invitae Variant Classification Sherloc (09022015). Collection method: clinical testing. Allele origin: germline.
Comment: In summary, the available evidence is currently insufficient to determine the role of this variant in disease. Therefore, it has been classified as a Variant of Uncertain Significance. Variants that disrupt the consensus splice site are a relatively common cause of aberrant splicing (PMID: 17576681, 9536098). Algorithms developed to predict the effect of sequence changes on RNA splicing suggest that this variant is not likely to affect RNA splicing. This variant has not been reported in the literature in individuals affected with ALG6-related conditions. This variant is not present in population databases (gnomAD no frequency). This sequence change falls in intron 8 of the ALG6 gene. It does not directly change the encoded amino acid sequence of the ALG6 protein. It affects a nucleotide within the consensus splice site.

Literature cited by the submitters: PubMed 17576681; PubMed 9536098.